The following is an entry in ClinVar:

NM_002206.3(ITGA7):c.2035C>A (p.Leu679Met)

Genes: ITGA7 (integrin subunit alpha 7; minus strand), LOC126861535 (CDK7 strongly-dependent group 2 enhancer GRCh37_chr12:56087579-56088778; plus strand). Cytogenetic location: 12q13.2.
Variant type: single nucleotide variant.
Coding change: c.2035C>A on transcript NM_002206.3 (MANE Select); coding-DNA position 2035, C replaced by A.
Protein change: p.Leu679Met; replaces leucine 679 with methionine.
Molecular consequence: missense variant.
Genome position (GRCh38, 1-based): chr12:55,694,939, G>T on the plus strand (C>A on the coding strand, the complement: ITGA7 is on the minus strand). VCF-style: chr12-55694939-G-T. GRCh37 (hg19) VCF-style: chr12-56088723-G-T.
Other names: c.2047C>A, p.Leu683Met (NM_001144996.2); c.1756C>A, p.Leu586Met (NM_001144997.2); c.1948C>A, p.Leu650Met (NM_001414031.1); c.1915C>A, p.Leu639Met (NM_001414032.1); c.1852C>A, p.Leu618Met (NM_001414033.1); c.1696C>A, p.Leu566Met (NM_001414035.1); c.1708C>A, p.Leu570Met (NM_001367993.1); c.691C>A, p.Leu231Met (NM_001367994.1); and 4 more; short protein forms L679M, L586M, L570M, L231M, L683M, L673M, L723M, L618M.
Identifiers: ClinVar variation 287413 (VCV000287413.14), dbSNP rs142326016, ClinGen allele CA6615746.

ClinVar aggregate classification (germline): Uncertain significance. Review status: criteria provided, multiple submitters, no conflicts (2 of 4 stars). 5 submissions from 5 submitters: Uncertain significance (5). Last evaluated 2024-07-24.

Conditions:
Congenital muscular dystrophy due to integrin alpha-7 deficiency. Also called: Congenital muscular dystrophy with integrin alpha-7 deficiency; Muscular dystrophy, congenital, due to ITGA7 deficiency; MYOPATHY, CONGENITAL, DUE TO INTEGRIN ALPHA-7 DEFICIENCY. Identifiers: Orphanet 34520, MedGen C2750786, MONDO:0013177, OMIM 613204.

Allele frequency attached by ClinVar (database versions not stated): TOPMed 0.00014; gnomAD exomes 0.00020; ESP Exome Variant Server 0.00023; ExAC 0.00027; gnomAD 0.00029; 1000 Genomes Project 0.00060; 1000 Genomes Project 30x 0.00062.
gnomAD v4.1: 370 of 1,613,840 alleles (0.023%); highest among the groups gnomAD compares: Middle Eastern, 0.049%; no homozygotes.

Submissions (5):

GeneDx
Classification: Uncertain significance. Last evaluated: 2024-07-24. Review status: criteria provided, single submitter. Criteria: GeneDx Variant Classification Process June 2021. Collection method: clinical testing. Allele origin: germline. Affected: yes.
Comment: In silico analysis indicates that this missense variant does not alter protein structure/function; Has not been previously published as pathogenic or benign to our knowledge

Women's Health and Genetics/Laboratory Corporation of America, LabCorp
Classification: Uncertain significance. Last evaluated: 2023-08-22. Review status: criteria provided, single submitter. Criteria: LabCorp Variant Classification Summary - May 2015. Collection method: clinical testing. Allele origin: germline.
Comment: Variant summary: ITGA7 c.2035C>A (p.Leu679Met) results in a conservative amino acid change located in the Integrin alpha-2 domain (IPR013649) of the encoded protein sequence. Five of five in-silico tools predict a benign effect of the variant on protein function. The variant allele was found at a frequency of 0.00021 in 280224 control chromosomes (gnomAD). To our knowledge, no occurrence of c.2035C>A in individuals affected with Congenital Muscular Dystrophy Due To Integrin Alpha-7 Deficiency and no experimental evidence demonstrating its impact on protein function have been reported. Four ClinVar submitters have assessed the variant since 2014, and all submitters classified the variant as uncertain significance. Based on the evidence outlined above, the variant was classified as uncertain significance.

Labcorp Genetics (formerly Invitae), Labcorp
Classification: Uncertain significance for Congenital muscular dystrophy due to integrin alpha-7 deficiency. Last evaluated: 2022-08-02. Review status: criteria provided, single submitter. Criteria: Invitae Variant Classification Sherloc (09022015). Collection method: clinical testing. Allele origin: germline.
Comment: This sequence change replaces leucine, which is neutral and non-polar, with methionine, which is neutral and non-polar, at codon 679 of the ITGA7 protein (p.Leu679Met). This variant is present in population databases (rs142326016, gnomAD 0.04%). This variant has not been reported in the literature in individuals affected with ITGA7-related conditions. ClinVar contains an entry for this variant (Variation ID: 287413). Algorithms developed to predict the effect of missense changes on protein structure and function output the following: SIFT: "Tolerated"; PolyPhen-2: "Benign"; Align-GVGD: "Class C0". The methionine amino acid residue is found in multiple mammalian species, which suggests that this missense change does not adversely affect protein function. In summary, the available evidence is currently insufficient to determine the role of this variant in disease. Therefore, it has been classified as a Variant of Uncertain Significance.

Fulgent Genetics
Classification: Uncertain significance for Congenital muscular dystrophy due to integrin alpha-7 deficiency. Last evaluated: 2018-10-31. Review status: criteria provided, single submitter. Criteria: ACMG Guidelines, 2015. Collection method: clinical testing. Allele origin: unknown.

Eurofins Ntd Llc (ga)
Classification: Uncertain significance. Last evaluated: 2018-08-15. Review status: criteria provided, single submitter. Criteria: EGL ClinVar v180209 classification definitions. Collection method: clinical testing. Allele origin: germline. Observed: 3 variant alleles, 3 heterozygotes.